The following is an entry in ClinVar:

ClinVar aggregate classification (germline): Uncertain significance (1 of 4 stars; one submission).

Submission:

Labcorp Genetics (formerly Invitae), Labcorp
Classification: Uncertain significance. Last evaluated: 2021-07-08. Review status: criteria provided, single submitter. Criteria: Invitae Variant Classification Sherloc (09022015). Collection method: clinical testing. Allele origin: germline.
Comment: In summary, the available evidence is currently insufficient to determine the role of this variant in disease. Therefore, it has been classified as a Variant of Uncertain Significance. Algorithms developed to predict the effect of missense changes on protein structure and function are either unavailable or do not agree on the potential impact of this missense change (SIFT: "Deleterious"; PolyPhen-2: "Benign"; Align-GVGD: "Class C0"). This variant has not been reported in the literature in individuals affected with DNAH9-related conditions. This variant is not present in population databases (ExAC no frequency). This sequence change replaces threonine with lysine at codon 1357 of the DNAH9 protein (p.Thr1357Lys). The threonine residue is weakly conserved and there is a moderate physicochemical difference between threonine and lysine.

NM_001372.4(DNAH9):c.4070C>A (p.Thr1357Lys)

Gene: DNAH9 (dynein axonemal heavy chain 9; plus strand). Cytogenetic location: 17p12.
Variant type: single nucleotide variant.
Coding change: c.4070C>A on transcript NM_001372.4 (MANE Select); coding-DNA position 4070, C replaced by A.
Protein change: p.Thr1357Lys; replaces threonine 1357 with lysine.
Molecular consequence: missense variant.
Genome position (GRCh38, 1-based): chr17:11,689,892, C>A. VCF-style: chr17-11689892-C-A. GRCh37 (hg19) VCF-style: chr17-11593209-C-A.
Other names: short protein forms T1357K.
Identifiers: ClinVar variation 1489460 (VCV001489460.8), dbSNP rs1184434050, ClinGen allele CA398186357.